The following is an entry in ClinVar:

NM_000751.3(CHRND):c.932+5G>T

Gene: CHRND (cholinergic receptor nicotinic delta subunit; plus strand). Cytogenetic location: 2q37.1.
Variant type: single nucleotide variant.
Coding change: c.932+5G>T on transcript NM_000751.3 (MANE Select); 5 bases into the intron after coding-DNA position 932, G replaced by T.
Molecular consequence: intron variant.
Genome position (GRCh38, 1-based): chr2:232,531,468, G>T. VCF-style: chr2-232531468-G-T. GRCh37 (hg19) VCF-style: chr2-233396178-G-T.
Other names: c.350+5G>T (NM_001311195.2); c.629+5G>T (NM_001311196.2); c.887+5G>T (NM_001256657.2).
Identifiers: ClinVar variation 1940204 (VCV001940204.5), dbSNP rs797045474, ClinGen allele CA540309802.
Genomic context (GRCh38, chr2:232,531,468, plus strand): 5'-CTGCTCATCTCCAAGCGTCTGCCTGCCACATCCATGGCCATCCCCCTTATCGGCAAGTGA[G>T]TGACGCTCAAGCCCGGCCTCACCCTGCTTGCCAGCCCAGCCCTGGGAGCTCCAAGCTGAG-3'

ClinVar aggregate classification (germline): Uncertain significance (1 of 4 stars; one submission).

Conditions:
Lethal multiple pterygium syndrome (LMPS). Identifiers: Orphanet 33108, MedGen C1854678, MONDO:0009668, OMIM 253290.

gnomAD v4.1: 4 of 1,613,934 alleles (0.00025%); highest among the groups gnomAD compares: South Asian, 0.0044%; no homozygotes.

Submission:

Labcorp Genetics (formerly Invitae), Labcorp
Classification: Uncertain significance for Lethal multiple pterygium syndrome. Last evaluated: 2022-09-23. Review status: criteria provided, single submitter. Criteria: Invitae Variant Classification Sherloc (09022015). Collection method: clinical testing. Allele origin: germline.
Comment: This sequence change falls in intron 8 of the CHRND gene. It does not directly change the encoded amino acid sequence of the CHRND protein. It affects a nucleotide within the consensus splice site. This variant is present in population databases (no rsID available, gnomAD 0.003%). This variant has not been reported in the literature in individuals affected with CHRND-related conditions. Variants that disrupt the consensus splice site are a relatively common cause of aberrant splicing (PMID: 17576681, 9536098). Algorithms developed to predict the effect of sequence changes on RNA splicing suggest that this variant may disrupt the consensus splice site. In summary, the available evidence is currently insufficient to determine the role of this variant in disease. Therefore, it has been classified as a Variant of Uncertain Significance.

Literature cited by the submitters: PubMed 17576681; PubMed 9536098.